The following is an entry in ClinVar:

NM_000337.6(SGCD):c.4-143A>G

Gene: SGCD (sarcoglycan delta; plus strand). Cytogenetic location: 5q33.3.
Variant type: single nucleotide variant.
Coding change: c.4-143A>G on transcript NM_000337.6 (MANE Select); 143 bases into the intron before coding-DNA position 4, A replaced by G.
Molecular consequence: intron variant.
Genome position (GRCh38, 1-based): chr5:156,344,346, A>G. VCF-style: chr5-156344346-A-G. GRCh37 (hg19) VCF-style: chr5-155771356-A-G.
Other names: c.1-143A>G (NM_001128209.2); c.4-143A>G (NM_172244.3).
Identifiers: ClinVar variation 672039 (VCV000672039.1), dbSNP rs8180473, ClinGen allele CA15397192.

ClinVar aggregate classification (germline): Benign (1 of 4 stars; one submission).

Allele frequency attached by ClinVar (database versions not stated): gnomAD exomes 0.56377; gnomAD 0.57632; TOPMed 0.59386; 1000 Genomes Project 30x 0.69785; 1000 Genomes Project 0.70288.
gnomAD v4.1: 328,776 of 576,654 alleles (57%); highest among the groups gnomAD compares: East Asian, 93%; 97,733 homozygotes.

Submission:

GeneDx
Classification: Benign. Last evaluated: 2018-06-14. Review status: criteria provided, single submitter. Criteria: GeneDx Variant Classification (06012015). Collection method: clinical testing. Allele origin: germline. Affected: yes.
Comment: This variant is considered likely benign or benign based on one or more of the following criteria: it is a conservative change, it occurs at a poorly conserved position in the protein, it is predicted to be benign by multiple in silico algorithms, and/or has population frequency not consistent with disease.